The following is an entry in ClinVar:

NM_178859.4(SLC51B):c.8A>T (p.His3Leu)

Genes: RASL12 (RAS like family 12; minus strand), SLC51B (SLC51 subunit beta; plus strand). Cytogenetic location: 15q22.31.
Variant type: single nucleotide variant.
Coding change: c.8A>T on transcript NM_178859.4 (MANE Select); coding-DNA position 8, A replaced by T.
Protein change: p.His3Leu; replaces histidine 3 with leucine.
Molecular consequence: missense variant.
Genome position (GRCh38, 1-based): chr15:65,050,012, A>T. VCF-style: chr15-65050012-A-T. GRCh37 (hg19) VCF-style: chr15-65342350-A-T.
Other names: short protein forms H3L.
Identifiers: ClinVar variation 2876772 (VCV002876772.3), dbSNP rs996863106, ClinGen allele CA271519309.

ClinVar aggregate classification (germline): Uncertain significance (1 of 4 stars; one submission).

Allele frequency attached by ClinVar (database versions not stated): TOPMed below 0.00001; gnomAD 0.00001.
gnomAD v4.1: 6 of 1,551,098 alleles (0.00039%); highest among the groups gnomAD compares: Middle Eastern, 0.033%; no homozygotes.

Submission:

Labcorp Genetics (formerly Invitae), Labcorp
Classification: Uncertain significance. Last evaluated: 2023-08-03. Review status: criteria provided, single submitter. Criteria: Invitae Variant Classification Sherloc (09022015). Collection method: clinical testing. Allele origin: germline.
Comment: An algorithm developed to predict the effect of missense changes on protein structure and function (PolyPhen-2) suggests that this variant is likely to be tolerated. This variant has not been reported in the literature in individuals affected with SLC51B-related conditions. This variant is present in population databases (no rsID available, gnomAD no frequency). This sequence change replaces histidine, which is basic and polar, with leucine, which is neutral and non-polar, at codon 3 of the SLC51B protein (p.His3Leu). In summary, the available evidence is currently insufficient to determine the role of this variant in disease. Therefore, it has been classified as a Variant of Uncertain Significance.